The following is an entry in ClinVar:

ClinVar aggregate classification (germline): Uncertain significance (1 of 4 stars; one submission).

Submission:

Labcorp Genetics (formerly Invitae), Labcorp
Classification: Uncertain significance. Last evaluated: 2025-09-03. Review status: criteria provided, single submitter. Criteria: Invitae Variant Classification Sherloc (09022015). Collection method: clinical testing. Allele origin: germline.
Comment: This sequence change replaces leucine, which is neutral and non-polar, with glutamine, which is neutral and polar, at codon 379 of the TMEM132E protein (p.Leu379Gln). This variant is not present in population databases (gnomAD no frequency). This variant has not been reported in the literature in individuals affected with TMEM132E-related conditions. Experimental studies and prediction algorithms are not available or were not evaluated, and the functional significance of this variant is currently unknown. In summary, the available evidence is currently insufficient to determine the role of this variant in disease. Therefore, it has been classified as a Variant of Uncertain Significance.

NM_001304438.2(TMEM132E):c.1136T>A (p.Leu379Gln)

Gene: TMEM132E (transmembrane protein 132E; plus strand). Cytogenetic location: 17q12.
Variant type: single nucleotide variant.
Coding change: c.1136T>A on transcript NM_001304438.2 (MANE Select); coding-DNA position 1136, T replaced by A.
Protein change: p.Leu379Gln; replaces leucine 379 with glutamine.
Molecular consequence: missense variant.
Genome position (GRCh38, 1-based): chr17:34,628,700, T>A. VCF-style: chr17-34628700-T-A. GRCh37 (hg19) VCF-style: chr17-32955719-T-A.
Other names: short protein forms L379Q.
Identifiers: ClinVar variation 4726515 (VCV004726515.1).
Genomic context (GRCh38, chr17:34,628,700, plus strand): 5'-TGACTGGGGCAAAGCACTCAACAGCCACCGTGGATGTGGCCTGGGCTCAGAGCACACCCC[T>A]GCCCCCCAGGTGAGCCCGAGGTGGTGCATCTACCCACCTCTTCGCAAAGCAGCCATCTGA-3'
Protein context (NP_001291367.1, residues 369-389): VDVAWAQSTP[Leu379Gln]PPREGQGPLE